The following is an entry in ClinVar:

NM_032119.4(ADGRV1):c.1797A>T (p.Arg599Ser)

Gene: ADGRV1 (adhesion G protein-coupled receptor V1; plus strand). Cytogenetic location: 5q14.3.
Variant type: single nucleotide variant.
Coding change: c.1797A>T on transcript NM_032119.4 (MANE Select); coding-DNA position 1797, A replaced by T.
Protein change: p.Arg599Ser; replaces arginine 599 with serine.
Molecular consequence: missense variant. On other transcripts: non-coding transcript variant (1).
Genome position (GRCh38, 1-based): chr5:90,629,497, A>T. VCF-style: chr5-90629497-A-T. GRCh37 (hg19) VCF-style: chr5-89925314-A-T.
Other names: short protein forms R599S.
Identifiers: ClinVar variation 158647 (VCV000158647.23), dbSNP rs200058876, ClinGen allele CA172270.

ClinVar aggregate classification (germline): Conflicting classifications of pathogenicity. Review status: criteria provided, conflicting classifications (1 of 4 stars). 7 submissions from 7 submitters: Uncertain significance (4); Likely benign (2). 1 of the submissions does not count toward it. Last evaluated 2025-12-13.

Conditions:
ADGRV1-related disorder. Also called: ADGRV1-related condition; ADGRV1-related disorders.
Usher syndrome type 2C. Also called: Usher syndrome, type 2B; USHER SYNDROME, TYPE IIC. Identifiers: Orphanet 231178, Orphanet 886, MedGen C2931213, MONDO:0011558, OMIM 605472.

Allele frequency attached by ClinVar (database versions not stated): gnomAD 0.00006 and 0.00007; ExAC 0.00008; gnomAD exomes 0.00008; TOPMed 0.00008; 1000 Genomes Project 30x 0.00016; 1000 Genomes Project 0.00020.
gnomAD v4.1: 115 of 1,613,168 alleles (0.0071%); highest among the groups gnomAD compares: East Asian, 0.22%; no homozygotes.

Submissions (7):

Labcorp Genetics (formerly Invitae), Labcorp
Classification: Likely benign. Last evaluated: 2025-12-13. Review status: criteria provided, single submitter. Criteria: Invitae Variant Classification Sherloc (09022015). Collection method: clinical testing. Allele origin: germline.

Women's Health and Genetics/Laboratory Corporation of America, LabCorp
Classification: Uncertain significance. Last evaluated: 2025-07-16. Review status: criteria provided, single submitter. Criteria: LabCorp Variant Classification Summary - May 2015. Collection method: clinical testing. Allele origin: germline.
Comment: Variant summary: ADGRV1 c.1797A>T (p.Arg599Ser) results in a non-conservative amino acid change located in the Na-Ca exchanger/integrin-beta4 domain (IPR003644) of the encoded protein sequence. Algorithms developed to predict the effect of missense changes on protein structure and function are either unavailable or do not agree on the potential impact of this missense change. The variant allele was found at a frequency of 7.6e-05 in 248454 control chromosomes. This frequency is not significantly higher than estimated for a pathogenic variant in ADGRV1 causing Usher Syndrome (7.6e-05 vs 0.0054), allowing no conclusion about variant significance. c.1797A>T has been reported in the literature in individuals affected with early onset hearing loss and seizure, without strong evidence for causality (example: Miyagawa_2013, Leng_2022). These report(s) do not provide unequivocal conclusions about association of the variant with Usher Syndrome. To our knowledge, no experimental evidence demonstrating an impact on protein function has been reported. The following publications have been ascertained in the context of this evaluation (PMID: 30245029, 36399868, 23967202). ClinVar contains an entry for this variant (Variation ID: 158647). Based on the evidence outlined above, the variant was classified as uncertain significance.

PreventionGenetics, part of Exact Sciences
Classification: Uncertain significance for ADGRV1-related condition. Last evaluated: 2024-12-27. Review status: criteria provided, single submitter. Criteria: ACMG Guidelines, 2015. Collection method: clinical testing. Allele origin: germline.
Comment: The ADGRV1 c.1797A>T variant is predicted to result in the amino acid substitution p.Arg599Ser. This variant was reported in a family with autosomal recessive deafness, however no additional information about phase or presence of second variant was provided (Table S1, Miyagawa et al. 2013. PubMed ID: 23967202). This variant was also observed in an individual with epilepsy (Leng et al. 2022. PubMed ID: 36399868). This variant is reported in 0.097% of alleles in individuals of East Asian descent in gnomAD. At this time, the clinical significance of this variant is uncertain due to the absence of conclusive functional and genetic evidence.

Blueprint Genetics
Classification: Likely benign. Last evaluated: 2023-11-30. Review status: criteria provided, single submitter. Criteria: ACMG Guidelines, 2015. Collection method: clinical testing. Allele origin: germline.

Mendelics
Classification: Uncertain significance for Usher syndrome type 2C. Last evaluated: 2023-06-02. Review status: criteria provided, single submitter. Criteria: Mendelics Assertion Criteria 2017. Collection method: clinical testing. Allele origin: unknown.

Eurofins Ntd Llc (ga)
Classification: Uncertain significance. Last evaluated: 2016-02-05. Review status: criteria provided, single submitter. Criteria: EGL Classification Definitions 2015. Collection method: clinical testing. Allele origin: germline. Observed: 1 variant allele, 1 heterozygote.

Genetic Services Laboratory, University of Chicago
Classification: Likely benign. Review status: no assertion criteria provided. Collection method: clinical testing. Allele origin: germline. Inheritance: Autosomal dominant inheritance. Not counted in ClinVar's aggregate classification.
Comment: Likely benign based on allele frequency in 1000 Genomes Project or ESP global frequency and its presence in a patient with a rare or unrelated disease phenotype. NOT Sanger confirmed

Literature cited by the submitters: PubMed 23967202 (cited by Women's Health and Genetics/Laboratory Corporation of America, LabCorp); PubMed 30245029 (cited by Women's Health and Genetics/Laboratory Corporation of America, LabCorp); PubMed 36399868 (cited by Women's Health and Genetics/Laboratory Corporation of America, LabCorp).